The following is an entry in ClinVar:

ClinVar aggregate classification (germline): Uncertain significance. Review status: criteria provided, multiple submitters, no conflicts (2 of 4 stars). 2 submissions from 2 submitters: Uncertain significance (2). Last evaluated 2024-09-20.

Allele frequency attached by ClinVar (database versions not stated): ExAC 0.00003; gnomAD exomes 0.00003; TOPMed 0.00004; gnomAD 0.00005; ESP Exome Variant Server 0.00008.
gnomAD v4.1: 52 of 1,612,504 alleles (0.0032%); highest among the groups gnomAD compares: Non-Finnish European, 0.0039%; no homozygotes.

Submissions (2):

Blueprint Genetics
Classification: Uncertain significance. Last evaluated: 2024-09-20. Review status: criteria provided, single submitter. Criteria: ACMG Guidelines, 2015. Collection method: clinical testing. Allele origin: germline.

Labcorp Genetics (formerly Invitae), Labcorp
Classification: Uncertain significance. Last evaluated: 2022-10-24. Review status: criteria provided, single submitter. Criteria: Invitae Variant Classification Sherloc (09022015). Collection method: clinical testing. Allele origin: germline.
Comment: This sequence change replaces leucine, which is neutral and non-polar, with valine, which is neutral and non-polar, at codon 267 of the ARHGEF18 protein (p.Leu267Val). This variant is present in population databases (rs376256047, gnomAD 0.006%). This variant has not been reported in the literature in individuals affected with ARHGEF18-related conditions. ClinVar contains an entry for this variant (Variation ID: 1039075). Algorithms developed to predict the effect of missense changes on protein structure and function (SIFT, PolyPhen-2, Align-GVGD) all suggest that this variant is likely to be disruptive. In summary, the available evidence is currently insufficient to determine the role of this variant in disease. Therefore, it has been classified as a Variant of Uncertain Significance.

NM_001367823.1(ARHGEF18):c.1363C>G (p.Leu455Val)

Gene: ARHGEF18 (Rho/Rac guanine nucleotide exchange factor 18; plus strand). Cytogenetic location: 19p13.2.
Variant type: single nucleotide variant.
Coding change: c.1363C>G on transcript NM_001367823.1 (MANE Select); coding-DNA position 1363, C replaced by G.
Protein change: p.Leu455Val; replaces leucine 455 with valine.
Molecular consequence: missense variant.
Genome position (GRCh38, 1-based): chr19:7,444,206, C>G. VCF-style: chr19-7444206-C-G. GRCh37 (hg19) VCF-style: chr19-7509092-C-G.
Other names: c.637C>G, p.Leu213Val (NM_001130955.2); c.325C>G, p.Leu109Val (NM_001367824.1, NM_015318.4); short protein forms L455V, L109V, L213V.
Identifiers: ClinVar variation 1039075 (VCV001039075.8), dbSNP rs376256047, ClinGen allele CA9136458.
Genomic context (GRCh38, chr19:7,444,206, plus strand): 5'-CTGCCCAGCGGGGCCGTGGAGCCAGCATGGCTAAGTCCTGCCGTCTGTGTCCCTGCAGAG[C>G]TGATGCAGACAGAGGTGCACCACGTGCGGACGCTCAAGATCATGCTGAAGGTGTACTCCA-3'
Protein context (NP_001354752.1, residues 445-465): VVKRQDVLYE[Leu455Val]MQTEVHHVRT